The following is an entry in ClinVar:

NM_001378477.3(NYX):c.910C>T (p.Leu304Phe)

Gene: NYX (nyctalopin; plus strand). Cytogenetic location: Xp11.4.
Variant type: single nucleotide variant.
Coding change: c.910C>T on transcript NM_001378477.3 (MANE Select); coding-DNA position 910, C replaced by T.
Protein change: p.Leu304Phe; replaces leucine 304 with phenylalanine.
Molecular consequence: missense variant.
Genome position (GRCh38, 1-based): chrX:41,474,378, C>T. VCF-style: chrX-41474378-C-T. GRCh37 (hg19) VCF-style: chrX-41333631-C-T.
Other names: c.910C>T, p.Leu304Phe (NM_022567.3); short protein forms L304F.
Identifiers: ClinVar variation 3345511 (VCV003345511.1).

ClinVar aggregate classification (germline): Uncertain significance (0 of 4 stars; one submission).

Conditions:
NYX-related disorder. Also called: NYX-related condition.

Submission:

PreventionGenetics, part of Exact Sciences
Classification: Uncertain significance for NYX-related condition. Last evaluated: 2024-08-08. Review status: no assertion criteria provided. Collection method: clinical testing. Allele origin: germline.
Comment: The NYX c.925C>T variant is predicted to result in the amino acid substitution p.Leu309Phe. To our knowledge, this variant has not been reported in the literature or in a large population database, indicating this variant is rare. At this time, the clinical significance of this variant is uncertain due to the absence of conclusive functional and genetic evidence.